The following is an entry in ClinVar:

NM_020461.4(TUBGCP6):c.4108+5G>T

Gene: TUBGCP6 (tubulin gamma complex component 6; minus strand). Cytogenetic location: 22q13.33.
Variant type: single nucleotide variant.
Coding change: c.4108+5G>T on transcript NM_020461.4 (MANE Select); 5 bases into the intron after coding-DNA position 4108, G replaced by T.
Molecular consequence: intron variant.
Genome position (GRCh38, 1-based): chr22:50,220,246, C>A on the plus strand (G>T on the coding strand, the complement: TUBGCP6 is on the minus strand). VCF-style: chr22-50220246-C-A. GRCh37 (hg19) VCF-style: chr22-50658675-C-A.
Identifiers: ClinVar variation 1034881 (VCV001034881.7), dbSNP rs748953779, ClinGen allele CA325511544.
Genomic context (GRCh38, chr22:50,220,246, plus strand): 5'-GCCTACCTCCCAGGCTCTGTGCGTCCCACAGTCCCACTCCTGACCACCAGCCACCCTACT[C>A]TGACCTAGTTCTTCAGAGACACTGTCTCCCGGGGTGTTGGGCCACCATGGTTGGGTGGGA-3'

ClinVar aggregate classification (germline): Uncertain significance (1 of 4 stars; one submission).

Allele frequency attached by ClinVar (database versions not stated): gnomAD exomes 0.00001.
gnomAD v4.1: 11 of 1,550,800 alleles (0.00071%); highest among the groups gnomAD compares: Non-Finnish European, 0.00096%; no homozygotes.

Submission:

Labcorp Genetics (formerly Invitae), Labcorp
Classification: Uncertain significance. Last evaluated: 2020-02-11. Review status: criteria provided, single submitter. Criteria: Invitae Variant Classification Sherloc (09022015). Collection method: clinical testing. Allele origin: germline.
Comment: This sequence change falls in intron 16 of the TUBGCP6 gene. It does not directly change the encoded amino acid sequence of the TUBGCP6 protein, but it affects a nucleotide within the consensus splice site of the intron. This variant is not present in population databases (ExAC no frequency). This variant has not been reported in the literature in individuals with TUBGCP6-related conditions. Nucleotide substitutions within the consensus splice site are a relatively common cause of aberrant splicing (PMID: 17576681, 9536098). Algorithms developed to predict the effect of sequence changes on RNA splicing suggest that this variant may disrupt the consensus splice site, but this prediction has not been confirmed by published transcriptional studies. In summary, the available evidence is currently insufficient to determine the role of this variant in disease. Therefore, it has been classified as a Variant of Uncertain Significance.

Literature cited by the submitters: PubMed 17576681; PubMed 9536098.